The following is an entry in ClinVar:

NC_000005.9:g.(?_1253837)_(1295110_?)dup

Genes: TERT (telomerase reverse transcriptase; minus strand), LOC110806264 (TERT enhancer in intron 2; plus strand), LOC123493259 (Sharpr-MPRA regulatory region 13256; plus strand), LOC110806263 (TERT 5' regulatory region; plus strand). Cytogenetic location: 5p15.33.
Variant type: Duplication.
Identifiers: ClinVar variation 539287 (VCV000539287.1).

ClinVar aggregate classification (germline): Uncertain significance (1 of 4 stars; one submission).

Conditions:
Interstitial lung disease 2 (ILD2). Also called: FIBROCYSTIC PULMONARY DYSPLASIA; FIBROSING ALVEOLITIS, CRYPTOGENIC; Familial idiopathic pulmonary fibrosis. Identifiers: Orphanet 2032, Orphanet 79126, MedGen C5561926, MONDO:0800497, OMIM 178500, MONDO:0800029.
Dyskeratosis congenita, autosomal dominant 2. Identifiers: MedGen C3151443, MONDO:0013521, OMIM 613989.

Submission:

Labcorp Genetics (formerly Invitae), Labcorp
Classification: Uncertain significance for Dyskeratosis congenita, autosomal dominant 2; Idiopathic Pulmonary Fibrosis. Last evaluated: 2018-01-09. Review status: criteria provided, single submitter. Criteria: Invitae Variant Classification Sherloc (09022015). Collection method: clinical testing. Allele origin: germline.
Comment: A gross duplication of the genomic region encompassing the full coding sequence of the TERT gene has been identified. The boundaries of this event are unknown as the duplication extends beyond the assayed region for this gene and therefore may encompass additional genes. As the precise location of this duplication is unknown, it may be in tandem or it may be located elsewhere in the genome. This variant has not been reported in the literature in individuals with TERT-related disease. Experimental studies are not available for this duplication, and the functional significance of an extra copy of the TERT gene is currently unknown. In summary, the available evidence is currently insufficient to determine the role of this variant in disease. Therefore, it has been classified as a Variant of Uncertain Significance.